The following is an entry in ClinVar:

ClinVar aggregate classification (germline): Uncertain significance. Review status: criteria provided, multiple submitters, no conflicts (2 of 4 stars). 3 submissions from 3 submitters: Uncertain significance (3). Last evaluated 2025-02-15.

Conditions:
Familial acute necrotizing encephalopathy (IIAE3). Also called: Susceptibility to Acute Necrotizing Encephalopathy 1; ENCEPHALOPATHY, ACUTE, INFECTION-INDUCED, SUSCEPTIBILITY TO, 3. Identifiers: Orphanet 88619, MedGen C2675556, MONDO:0011953, OMIM 608033.

Allele frequency attached by ClinVar (database versions not stated): ExAC 0.00002; gnomAD 0.00004 and 0.00005; TOPMed 0.00004; gnomAD exomes 0.00005 and 0.00006.
gnomAD v4.1: 92 of 1,613,990 alleles (0.0057%); highest among the groups gnomAD compares: Admixed American, 0.0083%; no homozygotes.

Submissions (3):

Mayo Clinic Laboratories, Mayo Clinic
Classification: Uncertain significance. Last evaluated: 2025-02-15. Review status: criteria provided, single submitter. Criteria: ACMG Guidelines, 2015. Collection method: clinical testing. Allele origin: germline. Observed: 1 variant allele.
Comment: BP4, PM2_supporting

Labcorp Genetics (formerly Invitae), Labcorp
Classification: Uncertain significance for Familial acute necrotizing encephalopathy. Last evaluated: 2020-10-29. Review status: criteria provided, single submitter. Criteria: Invitae Variant Classification Sherloc (09022015). Collection method: clinical testing. Allele origin: germline.
Comment: Algorithms developed to predict the effect of missense changes on protein structure and function output the following: SIFT: "Deleterious"; PolyPhen-2: "Possibly Damaging"; Align-GVGD: "Class C45". The glutamine amino acid residue is found in multiple mammalian species, suggesting that this missense change does not adversely affect protein function. These predictions have not been confirmed by published functional studies and their clinical significance is uncertain. In summary, the available evidence is currently insufficient to determine the role of this variant in disease. Therefore, it has been classified as a Variant of Uncertain Significance. This variant has not been reported in the literature in individuals with RANBP2-related disease. ClinVar contains an entry for this variant (Variation ID: 431720). This variant is present in population databases (rs747890333, ExAC 0.02%). This sequence change replaces lysine with glutamine at codon 2730 of the RANBP2 protein (p.Lys2730Gln). The lysine residue is highly conserved and there is a small physicochemical difference between lysine and glutamine.

TIDEX, University of British Columbia
Classification: Uncertain significance for Familial acute necrotizing encephalopathy. Review status: criteria provided, single submitter. Criteria: ACMG Guidelines, 2015. Collection method: research. Allele origin: maternal. Inheritance: Autosomal recessive inheritance. Affected: yes.

Literature cited by the submitters: PubMed 30542205 (cited by Mayo Clinic Laboratories, Mayo Clinic).

NM_006267.5(RANBP2):c.8188A>C (p.Lys2730Gln)

Gene: RANBP2 (RAN binding protein 2; plus strand). Cytogenetic location: 2q13.
Variant type: single nucleotide variant.
Coding change: c.8188A>C on transcript NM_006267.5 (MANE Select); coding-DNA position 8188, A replaced by C.
Protein change: p.Lys2730Gln; replaces lysine 2730 with glutamine.
Molecular consequence: missense variant.
Genome position (GRCh38, 1-based): chr2:108,772,942, A>C. VCF-style: chr2-108772942-A-C. GRCh37 (hg19) VCF-style: chr2-109389398-A-C.
Other names: p.Lys2730Gln; short protein forms K2730Q.
Identifiers: ClinVar variation 431720 (VCV000431720.13), dbSNP rs747890333, ClinGen allele CA1823778.
Genomic context (GRCh38, chr2:108,772,942, plus strand): 5'-TGTATTATTGTTTGGGAAAAGAAACCAACAGTTGAAGAGAAGGCAAAAGCAGATACGTTA[A>C]AACTTCCACCTACATTTTTTTGTGGAGTCTGTAGTGATACTGATGAAGACAATGGAAATG-3'
Protein context (NP_006258.3, residues 2720-2740): VEEKAKADTL[Lys2730Gln]LPPTFFCGVC